The following is an entry in ClinVar:

ClinVar aggregate classification (germline): Uncertain significance (1 of 4 stars; one submission).

Conditions:
Inborn genetic diseases. Identifiers: MedGen C0950123, MeSH D030342.

Submission:

Ambry Genetics
Classification: Uncertain significance for Inborn genetic diseases. Last evaluated: 2022-02-17. Review status: criteria provided, single submitter. Criteria: Ambry Variant Classification Scheme 2023. Collection method: clinical testing. Allele origin: germline.
Comment: The p.Q161K variant (also known as c.481C>A), located in coding exon 4 of the SLC12A6 gene, results from a C to A substitution at nucleotide position 481. The glutamine at codon 161 is replaced by lysine, an amino acid with similar properties. This amino acid position is conserved. In addition, this alteration is predicted to be deleterious by in silico analysis. Since supporting evidence is limited at this time, the clinical significance of this alteration remains unclear.

NM_001365088.1(SLC12A6):c.481C>A (p.Gln161Lys)

Gene: SLC12A6 (solute carrier family 12 member 6; minus strand). Cytogenetic location: 15q14.
Variant type: single nucleotide variant.
Coding change: c.481C>A on transcript NM_001365088.1 (MANE Select); coding-DNA position 481, C replaced by A.
Protein change: p.Gln161Lys; replaces glutamine 161 with lysine.
Molecular consequence: missense variant.
Genome position (GRCh38, 1-based): chr15:34,258,875, G>T on the plus strand (C>A on the coding strand, the complement: SLC12A6 is on the minus strand). VCF-style: chr15-34258875-G-T. GRCh37 (hg19) VCF-style: chr15-34551076-G-T.
Other names: c.304C>A, p.Gln102Lys (NM_001042494.2, NM_001042495.2); c.454C>A, p.Gln152Lys (NM_001042496.2); c.436C>A, p.Gln146Lys (NM_001042497.2); c.328C>A, p.Gln110Lys (NM_005135.2); c.481C>A, p.Gln161Lys (NM_133647.2); short protein forms Q110K, Q102K, Q152K, Q161K, Q146K.
Identifiers: ClinVar variation 1743341 (VCV001743341.2), dbSNP rs2509837642, ClinGen allele CA391613602.